The following is an entry in ClinVar:

ClinVar aggregate classification (germline): Uncertain significance (1 of 4 stars; one submission).

Conditions:
Arrhythmogenic right ventricular dysplasia 13. Also called: ARRHYTHMOGENIC RIGHT VENTRICULAR CARDIOMYOPATHY 13; Arrhythmogenic right ventricular dysplasia, familial, 13. Identifiers: MedGen C3810138, MONDO:0000908, OMIM 615616.

Submission:

Labcorp Genetics (formerly Invitae), Labcorp
Classification: Uncertain significance for Arrhythmogenic right ventricular dysplasia 13. Last evaluated: 2024-01-29. Review status: criteria provided, single submitter. Criteria: Invitae Variant Classification Sherloc (09022015). Collection method: clinical testing. Allele origin: germline.
Comment: This variant is a gross deletion of the genomic region encompassing exon(s) 10-11 of the CTNNA3 gene. This deletion is out-of-frame, and is expected to create a premature translational stop signal and result in an absent or disrupted protein product. However, the current clinical and genetic evidence is not sufficient to establish whether loss-of-function variants in CTNNA3 cause disease. This variant has not been reported in the literature in individuals affected with CTNNA3-related conditions. In summary, the available evidence is currently insufficient to determine the role of this variant in disease. Therefore, it has been classified as a Variant of Uncertain Significance.

NC_000010.11:g.(?_66520597)_(66621804_?)del

Genes: CTNNA3 (catenin alpha 3; minus strand), LOC132089820 (Neanderthal introgressed variant-containing enhancer experimental_15439; plus strand), LOC132089821 (Neanderthal introgressed variant-containing enhancer experimental_15446; plus strand). Cytogenetic location: 10q21.3.
Variant type: Deletion.
Identifiers: ClinVar variation 474805 (VCV000474805.8).